The following is an entry in ClinVar:

ClinVar aggregate classification (germline): Uncertain significance (1 of 4 stars; one submission).

Allele frequency attached by ClinVar (database versions not stated): gnomAD exomes below 0.00001; gnomAD 0.00001; TOPMed 0.00001.
gnomAD v4.1: 3 of 1,613,764 alleles (0.00019%); highest among the groups gnomAD compares: Non-Finnish European, 0.00025%; no homozygotes.

Submission:

Labcorp Genetics (formerly Invitae), Labcorp
Classification: Uncertain significance. Last evaluated: 2022-01-27. Review status: criteria provided, single submitter. Criteria: Invitae Variant Classification Sherloc (09022015). Collection method: clinical testing. Allele origin: germline.
Comment: In summary, the available evidence is currently insufficient to determine the role of this variant in disease. Therefore, it has been classified as a Variant of Uncertain Significance. Algorithms developed to predict the effect of missense changes on protein structure and function are either unavailable or do not agree on the potential impact of this missense change (SIFT: "Tolerated"; PolyPhen-2: "Possibly Damaging"; Align-GVGD: "Class C0"). This variant has not been reported in the literature in individuals affected with RFWD3-related conditions. This variant is not present in population databases (gnomAD no frequency). This sequence change replaces phenylalanine, which is neutral and non-polar, with isoleucine, which is neutral and non-polar, at codon 473 of the RFWD3 protein (p.Phe473Ile).

NM_018124.4(RFWD3):c.1417T>A (p.Phe473Ile)

Gene: RFWD3 (ring finger and WD repeat domain 3; minus strand). Cytogenetic location: 16q23.1.
Variant type: single nucleotide variant.
Coding change: c.1417T>A on transcript NM_018124.4 (MANE Select); coding-DNA position 1417, T replaced by A.
Protein change: p.Phe473Ile; replaces phenylalanine 473 with isoleucine.
Molecular consequence: missense variant.
Genome position (GRCh38, 1-based): chr16:74,636,355, A>T on the plus strand (T>A on the coding strand, the complement: RFWD3 is on the minus strand). VCF-style: chr16-74636355-A-T. GRCh37 (hg19) VCF-style: chr16-74670253-A-T.
Other names: c.1417T>A, p.Phe473Ile (NM_001370534.1, NM_001370535.1, NM_001370536.1); c.583T>A, p.Phe195Ile (NM_001370537.1, NM_001370539.1, NM_001370540.1 and 3 more transcripts); short protein forms F473I, F195I.
Identifiers: ClinVar variation 2090298 (VCV002090298.4), dbSNP rs1316483269, ClinGen allele CA396761348.
Genomic context (GRCh38, chr16:74,636,355, plus strand): 5'-ATATATGGAGTCTAATAAAGAACATGAAAGCTGAGGTTCTAGACTCTTTACCTGGAAGAA[A>T]AGAGGCCTGAGGAGAAGGCTGTGATATCACCAGGCAGCTCAGAGCATCACAGTATGCCAT-3'
Protein context (NP_060594.3, residues 463-483): VISQPSPQAS[Phe473Ile]LPGFGVKMLS